The following is an entry in ClinVar:

NM_023110.3(FGFR1):c.1727G>A (p.Arg576Gln)

Gene: FGFR1 (fibroblast growth factor receptor 1; minus strand). Cytogenetic location: 8p11.23.
Variant type: single nucleotide variant.
Coding change: c.1727G>A on transcript NM_023110.3 (MANE Select); coding-DNA position 1727, G replaced by A.
Protein change: p.Arg576Gln; replaces arginine 576 with glutamine.
Molecular consequence: missense variant.
Genome position (GRCh38, 1-based): chr8:38,415,997, C>T on the plus strand (G>A on the coding strand, the complement: FGFR1 is on the minus strand). VCF-style: chr8-38415997-C-T. GRCh37 (hg19) VCF-style: chr8-38273515-C-T.
Other names: c.1721G>A, p.Arg574Gln (NM_001174063.2, NM_001174065.2, NM_001354367.2 and 1 more transcripts); c.1697G>A, p.Arg566Gln (NM_001174064.2); c.1460G>A, p.Arg487Gln (NM_001174066.2, NM_023105.3); c.1820G>A, p.Arg607Gln (NM_001174067.2); c.1448G>A, p.Arg483Gln (NM_001354368.2); c.1715G>A, p.Arg572Gln (NM_001354369.2); c.1454G>A, p.Arg485Gln (NM_001354370.2, NM_023106.3); short protein forms R483Q, R485Q, R487Q, R566Q, R572Q, R574Q, R576Q, R607Q.
Identifiers: ClinVar variation 1302618 (VCV001302618.3), dbSNP rs1482868825, ClinGen allele CA370731794.
Genomic context (GRCh38, chr8:38,415,997, plus strand): 5'-GAGAGCTGCTCCTCTGGGTTGTGGCTGGGGTTGTAGCAGTATTCCAGCCCTGGGGGCCTC[C>T]GGGCCTGCAGGTACTCCCGCAGGTTGCCCTTGGAGGCATACTCCACGATGACATACAAGG-3'
Protein context (NP_075598.2, residues 566-586): KGNLREYLQA[Arg576Gln]RPPGLEYCYN

ClinVar aggregate classification (germline): Uncertain significance. Review status: criteria provided, multiple submitters, no conflicts (2 of 4 stars). 2 submissions from 2 submitters: Uncertain significance (2). Last evaluated 2022-04-09.

Conditions:
Hartsfield-Bixler-Demyer syndrome (HRTFDS). Also called: Holoprosencephaly, ectrodactyly, and bilateral cleft lip/palate; Hartsfield syndrome; FGFR1-Related Hartsfield Syndrome. Identifiers: Orphanet 2117, MedGen C1845146, MONDO:0014196, OMIM 615465. Disease mechanism: loss of function.
Trigonocephaly 1 (TRIGNO1). Identifiers: Orphanet 3366, MedGen C0432122, MONDO:0008603, OMIM 190440.
Pfeiffer syndrome (ACS5). Also called: ACS V. Identifiers: Orphanet 710, MedGen C0220658, MONDO:0007043, OMIM 101600.
Hypogonadotropic hypogonadism 2 with or without anosmia (HH2). Also called: HYPOGONADOTROPIC HYPOGONADISM 2 WITH OR WITHOUT ANOSMIA, SUSCEPTIBILITY TO; HYPOGONADOTROPIC HYPOGONADISM 2 WITHOUT ANOSMIA, SUSCEPTIBILITY TO; FGFR1-Related GnRH Deficiency (Kallmann Syndrome 2); HYPOGONADOTROPIC HYPOGONADISM 2 WITHOUT ANOSMIA. Identifiers: Orphanet 478, MedGen C1563720, MONDO:0007844, OMIM 147950. Disease mechanism: loss of function.
Jackson-Weiss syndrome (JWS). Also called: CRANIOSYNOSTOSIS, MIDFACIAL HYPOPLASIA, AND FOOT ABNORMALITIES. Identifiers: Orphanet 1540, MedGen C0795998, MONDO:0007400, OMIM 123150. Disease mechanism: loss of function.
Encephalocraniocutaneous lipomatosis (ECCL). Identifiers: Orphanet 2396, MedGen C0406612, MONDO:0013074, OMIM 613001.
Osteoglophonic dysplasia (OGD). Also called: Osteoglophonic dwarfism. Identifiers: Orphanet 2645, MedGen C0432283, MONDO:0008150, OMIM 166250.

Allele frequency attached by ClinVar (database versions not stated): TOPMed 0.00001.
gnomAD v4.1: 1 of 1,613,934 alleles (0.000062%); highest among the groups gnomAD compares: Non-Finnish European, 0.000085%; no homozygotes.

Submissions (2):

Fulgent Genetics
Classification: Uncertain significance for Pfeiffer syndrome; Jackson-Weiss syndrome; Hypogonadotropic hypogonadism 2 with or without anosmia; Osteoglophonic dysplasia; Trigonocephaly 1; Encephalocraniocutaneous lipomatosis; Hartsfield-Bixler-Demyer syndrome. Last evaluated: 2022-04-09. Review status: criteria provided, single submitter. Criteria: ACMG Guidelines, 2015. Collection method: clinical testing. Allele origin: unknown.

GeneDx
Classification: Uncertain significance. Last evaluated: 2019-03-26. Review status: criteria provided, single submitter. Criteria: GeneDx Variant Classification Process June 2021. Collection method: clinical testing. Allele origin: germline. Affected: yes.
Comment: Not observed in large population cohorts (Lek et al., 2016); In silico analysis, which includes protein predictors and evolutionary conservation, supports a deleterious effect; Has not been previously published as pathogenic or benign to our knowledge